The following is an entry in ClinVar:

ClinVar aggregate classification (germline): Uncertain significance (1 of 4 stars; one submission).

Allele frequency attached by ClinVar (database versions not stated): TOPMed 0.00003; ExAC 0.00003; gnomAD 0.00001.

Submission:

Ambry Genetics
Classification: Uncertain significance. Last evaluated: 2026-08-05. Review status: criteria provided, single submitter. Criteria: Ambry Variant Classification Scheme 2023. Collection method: clinical testing. Allele origin: germline.
Comment: The c.832A>T (p.N278Y) alteration is located in exon 6 (coding exon 6) of the WNT8A gene. This alteration results from a A to T substitution at nucleotide position 832, causing the asparagine (N) at amino acid position 278 to be replaced by a tyrosine (Y). Based on data from gnomAD, the T allele has an overall frequency of 0.003% (7/248976) total alleles studied. The highest observed frequency was 0.02% (7/34518) of Latino alleles. Based on insufficient or conflicting evidence, the clinical significance of this alteration remains unclear.

NM_001300939.2(WNT8A):c.886A>T (p.Asn296Tyr)

Gene: WNT8A (Wnt family member 8A; plus strand). Cytogenetic location: 5q31.2.
Variant type: single nucleotide variant.
Coding change: c.886A>T on transcript NM_001300939.2 (MANE Select); coding-DNA position 886, A replaced by T.
Protein change: p.Asn296Tyr; replaces asparagine 296 with tyrosine.
Molecular consequence: missense variant. On other transcripts: non-coding transcript variant (1).
Genome position (GRCh38, 1-based): chr5:138,090,849, A>T. VCF-style: chr5-138090849-A-T. GRCh37 (hg19) VCF-style: chr5-137426538-A-T.
Other names: c.886A>T, p.Asn296Tyr (NM_001300938.2); c.832A>T, p.Asn278Tyr (NM_058244.4); short protein forms N296Y, N278Y.
Identifiers: ClinVar variation 2409865 (VCV002409865.3), dbSNP rs778155781, ClinGen allele CA3424795.
Genomic context (GRCh38, chr5:138,090,849, plus strand): 5'-TACTGTACCTGCAATTCCAGCCTGGGCATCTATGGCACAGAGGGTCGTGAGTGCCTACAG[A>T]ACAGCCACAACACATCCAGGTGGGAGCGACGTAGCTGTGGGCGCCTGTGCACTGAGTGTG-3'
Protein context (NP_001287868.1, residues 286-306): YGTEGRECLQ[Asn296Tyr]SHNTSRWERR